The following is an entry in ClinVar:

ClinVar aggregate classification (germline): Benign/Likely benign. Review status: criteria provided, multiple submitters, no conflicts (2 of 4 stars). 15 submissions from 14 submitters: Benign (5); Likely benign (5). 5 of the submissions do not count toward it. Last evaluated 2026-08-01.

Conditions:
MYH9-related disorder. Identifiers: MedGen C1854520.
Macrothrombocytopenia and granulocyte inclusions with or without nephritis or sensorineural hearing loss (MATINS). Also called: SEBASTIAN PLATELET SYNDROME; MACROTHROMBOCYTOPENIA WITH DISPERSED LEUKOCYTIC INCLUSIONS; MACROTHROMBOCYTOPENIA, NEPHRITIS, AND DEAFNESS; MACROTHROMBOCYTOPENIA, NEPHRITIS, DEAFNESS, AND LEUKOCYTE INCLUSIONS; ALPORT SYNDROME WITH MACROTHROMBOCYTOPENIA; Fechtner syndrome. Identifiers: Orphanet 182050, MedGen C5200934, MONDO:0015912, OMIM 155100.
Autosomal dominant nonsyndromic hearing loss 17. Also called: Autosomal dominant nonsyndromic deafness 17; Deafness, autosomal dominant 17. Identifiers: Orphanet 90635, MedGen C1863659, MONDO:0011350, OMIM 603622.

Allele frequency attached by ClinVar (database versions not stated): ESP Exome Variant Server 0.00238; gnomAD exomes 0.00250 and 0.00161; 1000 Genomes Project 30x 0.00078; 1000 Genomes Project 0.00080; ExAC 0.00150; gnomAD 0.00217 and 0.00231; TOPMed 0.00235.

Submissions (15):

CeGaT Center for Human Genetics Tuebingen
Classification: Likely benign. Last evaluated: 2026-08-01. Review status: criteria provided, single submitter. Criteria: CeGaT Center For Human Genetics Tuebingen Variant Classification Criteria Version 2. Collection method: clinical testing. Allele origin: germline. Affected: yes. Observed: 6 variant alleles.
Comment: MYH9: BS1

Labcorp Genetics (formerly Invitae), Labcorp
Classification: Benign. Last evaluated: 2026-02-02. Review status: criteria provided, single submitter. Criteria: Invitae Variant Classification Sherloc (09022015). Collection method: clinical testing. Allele origin: germline.

ARUP Laboratories, Molecular Genetics and Genomics, ARUP Laboratories
Classification: Benign. Last evaluated: 2025-04-15. Review status: criteria provided, single submitter. Criteria: ARUP Molecular Germline Variant Investigation Process 2024. Collection method: clinical testing. Allele origin: germline.

Blueprint Genetics
Classification: Likely benign. Last evaluated: 2024-11-26. Review status: criteria provided, single submitter. Criteria: ACMG Guidelines, 2015. Collection method: clinical testing. Allele origin: germline.

Mayo Clinic Laboratories, Mayo Clinic
Classification: Benign. Last evaluated: 2024-10-31. Review status: criteria provided, single submitter. Criteria: ACMG Guidelines, 2015. Collection method: clinical testing. Allele origin: germline. Observed: 2 variant alleles.
Comment: BS1, BS2, PP2, PM1_supporting

Fulgent Genetics
Classification: Likely benign for Macrothrombocytopenia and granulocyte inclusions with or without nephritis or sensorineural hearing loss; Autosomal dominant nonsyndromic hearing loss 17. Last evaluated: 2021-08-10. Review status: criteria provided, single submitter. Criteria: ACMG Guidelines, 2015. Collection method: clinical testing. Allele origin: unknown.

GeneDx
Classification: Likely benign. Last evaluated: 2020-09-08. Review status: criteria provided, single submitter. Criteria: GeneDx Variant Classification Process June 2021. Collection method: clinical testing. Allele origin: germline. Affected: yes.
Comment: This variant is associated with the following publications: (PMID: 29090586, 30349881)

Illumina Laboratory Services, Illumina
Classification: Benign for MYH9-related disorder. Last evaluated: 2018-01-12. Review status: criteria provided, single submitter. Criteria: ICSL Variant Classification Criteria 13 December 2019. Collection method: clinical testing. Allele origin: germline.
Comment: This variant was observed in the ICSL laboratory as part of a predisposition screen in an ostensibly healthy population. It had not been previously curated by ICSL or reported in the Human Gene Mutation Database (HGMD: prior to June 1st, 2018), and was therefore a candidate for classification through an automated scoring system. Utilizing variant allele frequency, disease prevalence and penetrance estimates, and inheritance mode, an automated score was calculated to assess if this variant is too frequent to cause the disease. Based on the score and internal cut-off values, a variant classified as benign is not then subjected to further curation. The score for this variant resulted in a classification of benign for this disease.

Illumina Laboratory Services, Illumina
Classification: Likely benign for Autosomal dominant nonsyndromic hearing loss 17. Last evaluated: 2018-01-12. Review status: criteria provided, single submitter. Criteria: ICSL Variant Classification Criteria 13 December 2019. Collection method: clinical testing. Allele origin: germline.
Comment: This variant was observed in the ICSL laboratory as part of a predisposition screen in an ostensibly healthy population. It had not been previously curated by ICSL or reported in the Human Gene Mutation Database (HGMD: prior to June 1st, 2018), and was therefore a candidate for classification through an automated scoring system. Utilizing variant allele frequency, disease prevalence and penetrance estimates, and inheritance mode, an automated score was calculated to assess if this variant is too frequent to cause the disease. Based on the score and internal cut-off values, a variant classified as likely benign is not then subjected to further curation. The score for this variant resulted in a classification of likely benign for this disease.

Laboratory for Molecular Medicine, Mass General Brigham Personalized Medicine
Classification: Benign. Last evaluated: 2012-04-30. Review status: criteria provided, single submitter. Criteria: LMM Criteria. Collection method: clinical testing. Allele origin: germline. Observed: 10 variant alleles.
Comment: Gln3Glu in Exon 02 of MYH9: This variant is not expected to have clinical signif icance because it has been identified in 0.3% (24/7020) of European American chr omosomes from a broad population by the NHLBI Exome Sequencing Project (dbSNP rs56200894).

PreventionGenetics, part of Exact Sciences
Classification: Likely benign for MYH9-related condition. Last evaluated: 2019-10-30. Review status: no assertion criteria provided. Collection method: clinical testing. Allele origin: germline. Not counted in ClinVar's aggregate classification.
Comment: This variant is classified as likely benign based on ACMG/AMP sequence variant interpretation guidelines (Richards et al. 2015 PMID: 25741868, with internal and published modifications).

Clinical Genetics DNA and cytogenetics Diagnostics Lab, Erasmus MC, Erasmus Medical Center
Classification: Likely benign. Review status: no assertion criteria provided. Collection method: clinical testing. Allele origin: germline. Affected: yes. Study: VKGL Data-share Consensus. Not counted in ClinVar's aggregate classification.

Genome Diagnostics Laboratory, University Medical Center Utrecht
Classification: Likely benign. Review status: no assertion criteria provided. Collection method: clinical testing. Allele origin: germline. Affected: yes. Study: VKGL Data-share Consensus. Not counted in ClinVar's aggregate classification.

ISTH-SSC Genomics in Thrombosis and Hemostasis, KU Leuven, Center for Molecular and Vascular Biology
Classification: Uncertain significance for Macrothrombocytopenia and granulocyte inclusions with or without nephritis or sensorineural hearing loss. Review status: no assertion criteria provided. Collection method: research. Allele origin: unknown. Affected: yes. Not counted in ClinVar's aggregate classification.
Comment: Submitted to GoldVariant by Neil Morgan from Birmingham Platelet Group, Birmingham, UK

Laboratory of Diagnostic Genome Analysis, Leiden University Medical Center (LUMC)
Classification: Likely benign. Review status: no assertion criteria provided. Collection method: clinical testing. Allele origin: germline. Affected: yes. Study: VKGL Data-share Consensus. Not counted in ClinVar's aggregate classification.

NM_002473.6(MYH9):c.7C>G (p.Gln3Glu)

Gene: MYH9 (myosin heavy chain 9; minus strand). Cytogenetic location: 22q12.3.
Variant type: single nucleotide variant.
Coding change: c.7C>G on transcript NM_002473.6 (MANE Select); coding-DNA position 7, C replaced by G.
Protein change: p.Gln3Glu; replaces glutamine 3 with glutamic acid.
Molecular consequence: missense variant.
Genome position (GRCh38, 1-based): chr22:36,349,230, G>C on the plus strand (C>G on the coding strand, the complement: MYH9 is on the minus strand). VCF-style: chr22-36349230-G-C. GRCh37 (hg19) VCF-style: chr22-36745275-G-C.
Other names: short protein forms Q3E.
Identifiers: ClinVar variation 178439 (VCV000178439.50), dbSNP rs56200894, ClinGen allele CA182336.
Genomic context (GRCh38, chr22:36,349,230, plus strand): 5'-GGGCCAGCGGATTGTTGATGAAGTTTTTATCCACATAGAGATACTTATCGGCAGCTTGCT[G>C]TGCCATGGTGACTTATAGCCAGGACCTAAGCGGGGAGGAGAAGGACAACACATTACATAC-3'
Protein context (NP_002464.1, residues 1-13): MA[Gln3Glu]QAADKYLYVD